The following is an entry in ClinVar:

NM_000465.4(BARD1):c.1448A>C (p.His483Pro)

Gene: BARD1 (BRCA1 associated RING domain 1; minus strand). Cytogenetic location: 2q35.
Variant type: single nucleotide variant.
Coding change: c.1448A>C on transcript NM_000465.4 (MANE Select); coding-DNA position 1448, A replaced by C.
Protein change: p.His483Pro; replaces histidine 483 with proline.
Molecular consequence: missense variant. On other transcripts: non-coding transcript variant (3), intron variant (3).
Genome position (GRCh38, 1-based): chr2:214,767,602, T>G on the plus strand (A>C on the coding strand, the complement: BARD1 is on the minus strand). VCF-style: chr2-214767602-T-G. GRCh37 (hg19) VCF-style: chr2-215632326-T-G.
Other names: c.1391A>C, p.His464Pro (NM_001282543.2); c.159-15047A>C (NM_001282548.2); c.216-15047A>C (NM_001282545.2); c.364+24695A>C (NM_001282549.2); short protein forms H464P, H483P.
Identifiers: ClinVar variation 819242 (VCV000819242.4), dbSNP rs587781874, ClinGen allele CA350448527.

ClinVar aggregate classification (germline): Uncertain significance (1 of 4 stars; one submission).

Conditions:
Hereditary cancer-predisposing syndrome. Also called: Tumor predisposition; Hereditary neoplastic syndrome; Neoplastic Syndromes, Hereditary; Hereditary Cancer Syndrome. Identifiers: Orphanet 140162, MedGen C0027672, MeSH D009386, MONDO:0015356.

Submission:

Ambry Genetics
Classification: Uncertain significance for Hereditary cancer-predisposing syndrome. Last evaluated: 2018-10-18. Review status: criteria provided, single submitter. Criteria: Ambry Variant Classification Scheme 2023. Collection method: clinical testing. Allele origin: germline.
Comment: The p.H483P variant (also known as c.1448A>C), located in coding exon 6 of the BARD1 gene, results from an A to C substitution at nucleotide position 1448. The histidine at codon 483 is replaced by proline, an amino acid with similar properties. This amino acid position is well conserved in available vertebrate species. In addition, this alteration is predicted to be deleterious by in silico analysis. Since supporting evidence is limited at this time, the clinical significance of this alteration remains unclear.